The following is an entry in ClinVar:

NM_000277.3(PAH):c.168+2T>C

Gene: PAH (phenylalanine hydroxylase; minus strand). Cytogenetic location: 12q23.2.
Variant type: single nucleotide variant.
Coding change: c.168+2T>C on transcript NM_000277.3 (MANE Select); the canonical splice donor site of the intron after coding-DNA position 168, T replaced by C.
Molecular consequence: splice donor variant.
Genome position (GRCh38, 1-based): chr12:102,912,789, A>G on the plus strand (T>C on the coding strand, the complement: PAH is on the minus strand). VCF-style: chr12-102912789-A-G. GRCh37 (hg19) VCF-style: chr12-103306567-A-G.
Other names: c.168+2T>C (NM_001354304.2).
Identifiers: ClinVar variation 805828 (VCV000805828.3), dbSNP rs1025860114, ClinGen allele CA16020733.
Genomic context (GRCh38, chr12:102,912,789, plus strand): 5'-TAGAAAAGAACATGGAAGTTTGCTACGACATTATCCAAGACAAACATGATTGTAGCACTG[A>G]CCTCAAATAAGCGCAATACTTTGGCCAATGCACCAACTTCTTCTTTGAGTGAGAAGATCA-3'

ClinVar aggregate classification (germline): Pathogenic. Review status: reviewed by expert panel (3 of 4 stars). 2 submissions from 2 submitters: Pathogenic (1). 1 of the submissions does not count toward it. Last evaluated 2019-04-09.

Conditions:
Phenylketonuria (PKU). Also called: FOLLING DISEASE; Phenylketonuria (PKU); OLIGOPHRENIA PHENYLPYRUVICA; Phenylketonurias. Identifiers: Orphanet 716, MedGen C0031485, MONDO:0009861, OMIM 261600. Disease mechanism: loss of function.

Submissions (2):

ClinGen PAH Variant Curation Expert Panel
Classification: Pathogenic for Phenylketonuria. Last evaluated: 2019-04-09. Review status: reviewed by expert panel. Criteria: ClinGen PAH ACMG Specifications v1. Collection method: curation. Allele origin: germline. Inheritance: Autosomal recessive inheritance.
Comment: The c.168+2T>C variant in PAH was reported in one patient with PKU (BH4 deficiency excluded) in trans with p.R243Q (PP4_Moderate, PM3; PMID: 28982351). This variant is absent from population databases, including gnomAD (PM2). This variant occurs at a canonical splice site, which will result in abnormal splicing at the donor site of intron 2 where LOF is a known mechanism of disease, exon skipping preserves reading frame, but the altered region is critical to protein function (14 non-truncating pathogenic variants in the region). (PVS1_strong). In summary, this variant meets the criteria to be classified pathogenic for PAH. PAH-specific ACMG/AMP criteria applied: PP4_Moderate, PVS1_strong, PM2, PM3.

Juno Genomics, Hangzhou Juno Genomics, Inc
Classification: Pathogenic for Phenylketonuria. Review status: criteria provided, single submitter. Criteria: ACMG Guidelines, 2015. Collection method: clinical testing. Allele origin: germline. Affected: yes. Not counted in ClinVar's aggregate classification.
Comment: Null variant in a gene where loss of function (LOF) is a known mechanism of disease.;Absent from controls (or at extremely low frequency if recessive) in Genome Aggregation Database, Exome Sequencing Project, 1000 Genomes Project, or Exome Aggregation Consortium.;For recessive disorders, detected in trans with a pathogenic variant.;Patient's phenotype or family history is highly specific for a disease with a single genetic etiology.

Literature cited by the submitters: PubMed 28982351 (cited by ClinGen PAH Variant Curation Expert Panel).